The following is an entry in ClinVar:

ClinVar aggregate classification (germline): Conflicting classifications of pathogenicity. Review status: criteria provided, conflicting classifications (1 of 4 stars). 2 submissions from 2 submitters: Likely pathogenic (1); Uncertain significance (1). Last evaluated 2026-08-26.

Conditions:
Citrullinemia type I (CTNL1). Also called: ASS DEFICIENCY; argininosuccinate synthetase deficiency. Identifiers: Orphanet 247525, MedGen C4721769, MONDO:0008988, OMIM 215700.
Citrullinemia. Identifiers: Orphanet 187, MedGen C0175683, MONDO:0015991.

Submissions (2):

Division of Neonatology, National Health Organization Okayama Medical Center
Classification: Likely pathogenic for Citrullinemia type I. Last evaluated: 2026-08-26. Review status: criteria provided, single submitter. Criteria: ACMG Guidelines, 2015. Collection method: provider interpretation. Allele origin: paternal. Inheritance: Autosomal recessive inheritance. Affected: yes. Observed: 1 variant allele, 1 compound heterozygote.
Comment: The ASS1 c.167C>A (p.Ala56Asp) variant was classified as likely pathogenic according to the ACMG/AMP 2015 guidelines (PM2, PM3, PP3, and PP4). The variant is absent from large population databases (PM2). Multiple computational analyses support a deleterious effect on protein function (PP3). The patient showed a highly specific biochemical and clinical phenotype consistent with citrullinemia type I (PP4).

Labcorp Genetics (formerly Invitae), Labcorp
Classification: Uncertain significance for Citrullinemia. Last evaluated: 2021-06-17. Review status: criteria provided, single submitter. Criteria: Invitae Variant Classification Sherloc (09022015). Collection method: clinical testing. Allele origin: germline.
Comment: In summary, the available evidence is currently insufficient to determine the role of this variant in disease. Therefore, it has been classified as a Variant of Uncertain Significance. This sequence change replaces alanine with aspartic acid at codon 56 of the ASS1 protein (p.Ala56Asp). The alanine residue is highly conserved and there is a moderate physicochemical difference between alanine and aspartic acid. This variant is not present in population databases (ExAC no frequency). This variant has not been reported in the literature in individuals with ASS1-related conditions. Algorithms developed to predict the effect of missense changes on protein structure and function are either unavailable or do not agree on the potential impact of this missense change (SIFT: "Deleterious"; PolyPhen-2: "Probably Damaging"; Align-GVGD: "Class C0").

NM_054012.4(ASS1):c.167C>A (p.Ala56Asp)

Gene: ASS1 (argininosuccinate synthase 1; plus strand). Cytogenetic location: 9q34.11.
Variant type: single nucleotide variant.
Coding change: c.167C>A on transcript NM_054012.4 (MANE Select); coding-DNA position 167, C replaced by A.
Protein change: p.Ala56Asp; replaces alanine 56 with aspartic acid.
Molecular consequence: missense variant.
Genome position (GRCh38, 1-based): chr9:130,454,366, C>A. VCF-style: chr9-130454366-C-A. GRCh37 (hg19) VCF-style: chr9-133329753-C-A.
Other names: dbSNP:rs2131869336; c.167C>A, p.Ala56Asp (NM_000050.4); short protein forms A56D.
Identifiers: ClinVar variation 1497402 (VCV001497402.9), dbSNP rs2131869336, ClinGen allele CA375223867.
Genomic context (GRCh38, chr9:130,454,366, plus strand): 5'-CCAACATTGGCCAGAAGGAAGACTTCGAGGAAGCCAGGAAGAAGGCACTGAAGCTTGGGG[C>A]CAAAAAGGTACCAGGCGGGAGGCAGGGATTTGGGCTGGGAGTGGGGCGGTGATGTGGAGG-3'
Protein context (NP_446464.1, residues 46-66): EARKKALKLG[Ala56Asp]KKVFIEDVSR